The following is an entry in ClinVar:

ClinVar aggregate classification (germline): Uncertain significance (1 of 4 stars; one submission).

Submission:

Labcorp Genetics (formerly Invitae), Labcorp
Classification: Uncertain significance. Last evaluated: 2023-04-28. Review status: criteria provided, single submitter. Criteria: Invitae Variant Classification Sherloc (09022015). Collection method: clinical testing. Allele origin: germline.
Comment: In summary, the available evidence is currently insufficient to determine the role of this variant in disease. Therefore, it has been classified as a Variant of Uncertain Significance. Algorithms developed to predict the effect of missense changes on protein structure and function output the following: SIFT: "Not Available"; PolyPhen-2: "Benign"; Align-GVGD: "Not Available". The isoleucine amino acid residue is found in multiple mammalian species, which suggests that this missense change does not adversely affect protein function. This variant has not been reported in the literature in individuals affected with VCAN-related conditions. This variant is not present in population databases (gnomAD no frequency). This sequence change replaces valine, which is neutral and non-polar, with isoleucine, which is neutral and non-polar, at codon 906 of the VCAN protein (p.Val906Ile).

NM_004385.5(VCAN):c.2716G>A (p.Val906Ile)

Gene: VCAN (versican; plus strand). Cytogenetic location: 5q14.3.
Variant type: single nucleotide variant.
Coding change: c.2716G>A on transcript NM_004385.5 (MANE Select); coding-DNA position 2716, G replaced by A.
Protein change: p.Val906Ile; replaces valine 906 with isoleucine.
Molecular consequence: missense variant. On other transcripts: intron variant (2).
Genome position (GRCh38, 1-based): chr5:83,521,022, G>A. VCF-style: chr5-83521022-G-A. GRCh37 (hg19) VCF-style: chr5-82816841-G-A.
Other names: c.2716G>A, p.Val906Ile (NM_001164098.2); c.1042+8626G>A (NM_001164097.2, NM_001126336.3); short protein forms V906I.
Identifiers: ClinVar variation 2860308 (VCV002860308.3), dbSNP rs2479053886, ClinGen allele CA360304536.